The following is an entry in ClinVar:

NM_000169.3(GLA):c.672T>G (p.Asn224Lys)

Genes: GLA (galactosidase alpha; minus strand), RPL36A-HNRNPH2 (RPL36A-HNRNPH2 readthrough; plus strand). Cytogenetic location: Xq22.1.
Variant type: single nucleotide variant.
Coding change: c.672T>G on transcript NM_000169.3 (MANE Select); coding-DNA position 672, T replaced by G.
Protein change: p.Asn224Lys; replaces asparagine 224 with lysine.
Molecular consequence: missense variant. On other transcripts: non-coding transcript variant (3), intron variant (2).
Genome position (GRCh38, 1-based): chrX:101,398,914, A>C on the plus strand (T>G on the coding strand, the complement: GLA is on the minus strand). VCF-style: chrX-101398914-A-C. GRCh37 (hg19) VCF-style: chrX-100653902-A-C.
Other names: c.795T>G, p.Asn265Lys (NM_001406747.1); c.672T>G, p.Asn224Lys (NM_001406748.1); c.300+3457A>C (NM_001199973.2); c.177+7092A>C (NM_001199974.2); short protein forms N224K, N265K.
Identifiers: ClinVar variation 4087462 (VCV004087462.2).

ClinVar aggregate classification (germline): Likely pathogenic (1 of 4 stars; one submission).

Conditions:
Fabry disease. Also called: ALPHA-GALACTOSIDASE A DEFICIENCY; ANDERSON-FABRY DISEASE; CERAMIDE TRIHEXOSIDASE DEFICIENCY; GLA DEFICIENCY; HEREDITARY DYSTOPIC LIPIDOSIS; Angiokeratoma corporis diffusum. Identifiers: Orphanet 324, MedGen C0002986, MONDO:0010526, OMIM 301500, HP:0001071. Disease mechanism: Fabry disease is due to inactivating mutations in the X-linked GLA gene resulting in deficiency of the enzyme Alpha Galactosidase-A., loss of function.

Submission:

Genomenon, Inc
Classification: Likely pathogenic for Fabry disease. Last evaluated: 2026-09-08. Review status: criteria provided, single submitter. Criteria: Genomenon Sequence Variant Interpretation Standards - Updated. Collection method: curation. Allele origin: germline. Affected: yes.
Comment: GLA p.Asn224Lys (c.672T>G) is a missense variant that changes the amino acid at codon 224 from Asparagine to Lysine. This variant has been observed in at least one proband with clinical features consistent with Fabry disease (PMID:36380532). This variant is located in a mutational hotspot and/or important functional domain. It is absent or not present at a significant frequency in gnomAD. In silico models predict that this variant is possibly or probably damaging. In conclusion, we classify GLA p.Asn224Lys (c.672T>G) as a likely pathogenic variant.

Literature cited by the submitters: PubMed 36380532.